The following is an entry in ClinVar:

ClinVar aggregate classification (germline): Uncertain significance. Review status: criteria provided, multiple submitters, no conflicts (2 of 4 stars). 2 submissions from 2 submitters: Uncertain significance (2). Last evaluated 2023-07-08.

Conditions:
Joubert syndrome. Also called: Familial aplasia of the vermis; JOUBERT-BOLTSHAUSER SYNDROME. Identifiers: Orphanet 475, MedGen C5979921, MONDO:0018772.
Orofaciodigital syndrome I (OFD1). Also called: Papillon-Leage and Psaume Syndrome; Oral-Facial-Digital Syndrome Type I; OFDS I. Identifiers: Orphanet 2750, MedGen C1510460, MONDO:0010702, OMIM 311200.

Allele frequency attached by ClinVar (database versions not stated): gnomAD exomes below 0.00001; TOPMed 0.00001.
gnomAD v4.1: 2 of 1,197,386 alleles (0.00017%); highest among the groups gnomAD compares: Non-Finnish European, 0.00023%; no homozygotes.

Submissions (2):

Labcorp Genetics (formerly Invitae), Labcorp
Classification: Uncertain significance for Orofaciodigital syndrome I; Joubert syndrome. Last evaluated: 2023-07-08. Review status: criteria provided, single submitter. Criteria: Invitae Variant Classification Sherloc (09022015). Collection method: clinical testing. Allele origin: germline.
Comment: In summary, the available evidence is currently insufficient to determine the role of this variant in disease. Therefore, it has been classified as a Variant of Uncertain Significance. Advanced modeling of protein sequence and biophysical properties (such as structural, functional, and spatial information, amino acid conservation, physicochemical variation, residue mobility, and thermodynamic stability) performed at Invitae indicates that this missense variant is not expected to disrupt OFD1 protein function. This variant has not been reported in the literature in individuals affected with OFD1-related conditions. This variant is not present in population databases (gnomAD no frequency). This sequence change replaces lysine, which is basic and polar, with glutamic acid, which is acidic and polar, at codon 102 of the OFD1 protein (p.Lys102Glu).

Blueprint Genetics
Classification: Uncertain significance. Last evaluated: 2022-02-07. Review status: criteria provided, single submitter. Criteria: ACMG Guidelines, 2015. Collection method: clinical testing. Allele origin: germline.

NM_003611.3(OFD1):c.304A>G (p.Lys102Glu)

Gene: OFD1 (OFD1 centriole and centriolar satellite protein; plus strand). Cytogenetic location: Xp22.2.
Variant type: single nucleotide variant.
Coding change: c.304A>G on transcript NM_003611.3 (MANE Select); coding-DNA position 304, A replaced by G.
Protein change: p.Lys102Glu; replaces lysine 102 with glutamic acid.
Molecular consequence: missense variant. On other transcripts: 5 prime UTR variant (1).
Genome position (GRCh38, 1-based): chrX:13,736,670, A>G. VCF-style: chrX-13736670-A-G. GRCh37 (hg19) VCF-style: chrX-13754789-A-G.
Other names: c.304A>G, p.Lys102Glu (NM_001330209.2); c.-242A>G (NM_001330210.2); short protein forms K102E.
Identifiers: ClinVar variation 2949663 (VCV002949663.4), dbSNP rs2046880127, ClinGen allele CA412333557.